The following is an entry in ClinVar:

NM_001042492.3(NF1):c.5964_5971del (p.Met1988fs)

Gene: NF1 (neurofibromin 1; plus strand). Cytogenetic location: 17q11.2.
Variant type: Deletion.
Coding change: c.5964_5971del on transcript NM_001042492.3 (MANE Select); coding-DNA positions 5964 to 5971, 8 bases deleted (GTACCCAT; older notation c.5964_5971delGTACCCAT).
Protein change: p.Met1988fs; shifts the reading frame from methionine 1988.
Molecular consequence: frameshift variant.
Genome position (GRCh38, 1-based): chr17:31,334,989-31,334,996, GTACCCAT deleted; deleting any 8 consecutive bases within chr17:31,334,987-31,334,996 gives the same sequence; the c. name uses the placement nearest the transcript's 3' end. VCF-style (leftmost placement, unchanged base first): chr17-31334986-GATGTACCC-G. GRCh37 (hg19) VCF-style: chr17-29662004-GATGTACCC-G.
Other names: c.5901_5908del, p.Met1967fs (NM_000267.4); short protein forms M1967fs, M1988fs.
Identifiers: ClinVar variation 4119080 (VCV004119080.1).

ClinVar aggregate classification (germline): Pathogenic (1 of 4 stars; one submission).

Conditions:
Cardiovascular phenotype. Identifiers: MedGen CN230736.
Hereditary cancer-predisposing syndrome. Also called: Hereditary neoplastic syndrome; Neoplastic Syndromes, Hereditary; Tumor predisposition; Hereditary Cancer Syndrome. Identifiers: Orphanet 140162, MedGen C0027672, MeSH D009386, MONDO:0015356.

Submission:

Ambry Genetics
Classification: Pathogenic for Cardiovascular phenotype; Hereditary cancer-predisposing syndrome. Last evaluated: 2025-07-09. Review status: criteria provided, single submitter. Criteria: Ambry Variant Classification Scheme 2023. Collection method: clinical testing. Allele origin: germline.
Comment: The c.5901_5908delGTACCCAT pathogenic mutation, located in coding exon 39 of the NF1 gene, results from a deletion of 8 nucleotides at nucleotide positions 5901 to 5908, causing a translational frameshift with a predicted alternate stop codon (p.M1967Ifs*18). This variant is considered to be rare based on population cohorts in the Genome Aggregation Database (gnomAD). This alteration is expected to result in loss of function by premature protein truncation or nonsense-mediated mRNA decay. As such, this alteration is interpreted as a disease-causing mutation.